The following is an entry in ClinVar:

ClinVar aggregate classification (germline): Pathogenic (1 of 4 stars; one submission).

Conditions:
Inborn genetic diseases. Identifiers: MedGen C0950123, MeSH D030342.

Submission:

Ambry Genetics
Classification: Pathogenic for Inborn genetic diseases. Last evaluated: 2020-07-17. Review status: criteria provided, single submitter. Criteria: Ambry Variant Classification Scheme 2023. Collection method: clinical testing. Allele origin: germline.
Comment: The alteration results in a premature stop codon: _x000D_ _x000D_ The c.229G>T (p.E77*) alteration, located in exon 2 (coding exon 1) of the GATAD2B gene, results from a G to T substitution at nucleotide position 229. This changes the amino acid from a glutamic acid (E) to a stop codon at amino acid position 77. This alteration is expected to result in loss of function by premature protein truncation or nonsense-mediated mRNA decay. The alteration is not observed in population databases:_x000D_ _x000D_ Based on data from the Genome Aggregation Database (gnomAD), the GATAD2B c.229G>T alteration was not observed, with coverage at this position. Based on the available evidence, this alteration is classified as pathogenic.

NM_020699.4(GATAD2B):c.229G>T (p.Glu77Ter)

Gene: GATAD2B (GATA zinc finger domain containing 2B; minus strand). Cytogenetic location: 1q21.3.
Variant type: single nucleotide variant.
Coding change: c.229G>T on transcript NM_020699.4 (MANE Select); coding-DNA position 229, G replaced by T.
Protein change: p.Glu77Ter; replaces glutamic acid 77 with a stop codon.
Molecular consequence: nonsense.
Genome position (GRCh38, 1-based): chr1:153,828,119, C>A on the plus strand (G>T on the coding strand, the complement: GATAD2B is on the minus strand). VCF-style: chr1-153828119-C-A. GRCh37 (hg19) VCF-style: chr1-153800595-C-A.
Other names: short protein forms E77*.
Identifiers: ClinVar variation 2227242 (VCV002227242.2), dbSNP rs2525291364, ClinGen allele CA342540435.